The following is an entry in ClinVar:

NM_017491.5(WDR1):c.677C>T (p.Ala226Val)

Gene: WDR1 (WD repeat domain 1; minus strand). Cytogenetic location: 4p16.1.
Variant type: single nucleotide variant.
Coding change: c.677C>T on transcript NM_017491.5 (MANE Select); coding-DNA position 677, C replaced by T.
Protein change: p.Ala226Val; replaces alanine 226 with valine.
Molecular consequence: missense variant.
Genome position (GRCh38, 1-based): chr4:10,088,333, G>A on the plus strand (C>T on the coding strand, the complement: WDR1 is on the minus strand). VCF-style: chr4-10088333-G-A. GRCh37 (hg19) VCF-style: chr4-10089957-G-A.
Other names: c.257C>T, p.Ala86Val (NM_005112.5); short protein forms A86V, A226V.
Identifiers: ClinVar variation 1365937 (VCV001365937.3), dbSNP rs781406373, ClinGen allele CA2857911.

ClinVar aggregate classification (germline): Uncertain significance (1 of 4 stars; one submission).

Allele frequency attached by ClinVar (database versions not stated): gnomAD 0.00001; gnomAD exomes 0.00001; TOPMed 0.00001; ExAC 0.00005.
gnomAD v4.1: 13 of 1,559,288 alleles (0.00083%); highest among the groups gnomAD compares: Admixed American, 0.0019%; no homozygotes.

Submission:

Labcorp Genetics (formerly Invitae), Labcorp
Classification: Uncertain significance. Last evaluated: 2022-07-26. Review status: criteria provided, single submitter. Criteria: Invitae Variant Classification Sherloc (09022015). Collection method: clinical testing. Allele origin: germline.
Comment: This sequence change replaces alanine, which is neutral and non-polar, with valine, which is neutral and non-polar, at codon 226 of the WDR1 protein (p.Ala226Val). This variant is not present in population databases (gnomAD no frequency). This variant has not been reported in the literature in individuals affected with WDR1-related conditions. ClinVar contains an entry for this variant (Variation ID: 1365937). Algorithms developed to predict the effect of missense changes on protein structure and function (SIFT, PolyPhen-2, Align-GVGD) all suggest that this variant is likely to be tolerated. In summary, the available evidence is currently insufficient to determine the role of this variant in disease. Therefore, it has been classified as a Variant of Uncertain Significance.